The following is an entry in ClinVar:

NM_001033855.3(DCLRE1C):c.34C>T (p.Pro12Ser)

Gene: DCLRE1C (DNA cross-link repair 1C; minus strand). Cytogenetic location: 10p13.
Variant type: single nucleotide variant.
Coding change: c.34C>T on transcript NM_001033855.3 (MANE Select); coding-DNA position 34, C replaced by T.
Protein change: p.Pro12Ser; replaces proline 12 with serine.
Molecular consequence: missense variant. On other transcripts: 5 prime UTR variant (9), non-coding transcript variant (4).
Genome position (GRCh38, 1-based): chr10:14,953,977, G>A on the plus strand (C>T on the coding strand, the complement: DCLRE1C is on the minus strand). VCF-style: chr10-14953977-G-A. GRCh37 (hg19) VCF-style: chr10-14995976-G-A.
Other names: NM_001033855.3(DCLRE1C):c.34C>T; p.Pro12Ser; c.-412C>T (NM_001033857.3, NM_001350967.2); c.-734C>T (NM_001033858.3); c.-171C>T (NM_001289076.2); c.-458C>T (NM_001289077.2); c.-204C>T (NM_001289078.2, NM_001350966.2); c.-780C>T (NM_001289079.2); and 2 more; short protein forms P12S.
Identifiers: ClinVar variation 2062424 (VCV002062424.3), dbSNP rs2492513024, ClinGen allele CA376066033.

ClinVar aggregate classification (germline): Uncertain significance. Review status: reviewed by expert panel (3 of 4 stars). 4 submissions from 4 submitters: Uncertain significance (1). 3 of the submissions do not count toward it. Last evaluated 2024-04-01.

Conditions:
Severe combined immunodeficiency due to DCLRE1C deficiency (RS-SCID). Also called: SCID, AUTOSOMAL RECESSIVE, T CELL-NEGATIVE, B CELL-NEGATIVE, NK CELL-POSITIVE, WITH SENSITIVITY TO IONIZING RADIATION. Identifiers: Orphanet 275, MedGen C1865371, MONDO:0011225, OMIM 602450.
Inborn genetic diseases. Identifiers: MedGen C0950123, MeSH D030342.

Submissions (4):

ClinGen Severe Combined Immunodeficiency Variant Curation Expert Panel, ClinGen
Classification: Uncertain significance for Severe combined immunodeficiency due to DCLRE1C deficiency. Last evaluated: 2024-04-01. Review status: reviewed by expert panel. Criteria: ClinGen SCID ACMG Specifications DCLRE1C V1.0.0. Collection method: curation. Allele origin: germline. Inheritance: Autosomal recessive inheritance.
Comment: The c.34C>T (NM_001033855.3) variant in DCLRE1C is a missense variant predicted to cause substitution of Proline by Serine at amino acid 12 (p.Pro12Ser). This variant is absent from gnomAD v4 (PM2_Supporting). To our knowledge, this variant has not been reported in the literature in individuals affected with DCLRE1C-related conditions or in functional studies. In summary, this variant is classified as a variant of uncertain significance for autosomal recessive severe combined immunodeficiency due to DCLRE1C deficiency, based on ACMG/AMP criteria applied, as specified by the ClinGen SCID VCEP (specification version 1.0): PM2_Supporting.

Ambry Genetics
Classification: Uncertain significance for Inborn genetic diseases. Last evaluated: 2025-05-13. Review status: criteria provided, single submitter. Criteria: Ambry Variant Classification Scheme 2023. Collection method: clinical testing. Allele origin: germline. Not counted in ClinVar's aggregate classification.

Labcorp Genetics (formerly Invitae), Labcorp
Classification: Uncertain significance for Athabaskan severe combined immunodeficiency. Last evaluated: 2022-03-04. Review status: criteria provided, single submitter. Criteria: Invitae Variant Classification Sherloc (09022015). Collection method: clinical testing. Allele origin: germline. Not counted in ClinVar's aggregate classification.
Comment: This sequence change replaces proline, which is neutral and non-polar, with serine, which is neutral and polar, at codon 12 of the DCLRE1C protein (p.Pro12Ser). This variant is not present in population databases (gnomAD no frequency). This variant has not been reported in the literature in individuals affected with DCLRE1C-related conditions. Algorithms developed to predict the effect of missense changes on protein structure and function are either unavailable or do not agree on the potential impact of this missense change (SIFT: "Tolerated"; PolyPhen-2: "Probably Damaging"; Align-GVGD: "Class C0"). In summary, the available evidence is currently insufficient to determine the role of this variant in disease. Therefore, it has been classified as a Variant of Uncertain Significance.

Blueprint Genetics
Classification: Uncertain significance. Last evaluated: 2018-05-11. Review status: criteria provided, single submitter. Criteria: ACMG Guidelines, 2015. Collection method: clinical testing. Allele origin: germline. Not counted in ClinVar's aggregate classification.